The following is an entry in ClinVar:

NM_003924.4(PHOX2B):c.896A>G (p.Gln299Arg)

Gene: PHOX2B (paired like homeobox 2B; minus strand). Cytogenetic location: 4p13.
Variant type: single nucleotide variant.
Coding change: c.896A>G on transcript NM_003924.4 (MANE Select); coding-DNA position 896, A replaced by G.
Protein change: p.Gln299Arg; replaces glutamine 299 with arginine.
Molecular consequence: missense variant.
Genome position (GRCh38, 1-based): chr4:41,745,856, T>C on the plus strand (A>G on the coding strand, the complement: PHOX2B is on the minus strand). VCF-style: chr4-41745856-T-C. GRCh37 (hg19) VCF-style: chr4-41747873-T-C.
Other names: short protein forms Q299R.
Identifiers: ClinVar variation 2740838 (VCV002740838.4), dbSNP rs2552096759, ClinGen allele CA356736812.

ClinVar aggregate classification (germline): Uncertain significance. Review status: criteria provided, multiple submitters, no conflicts (2 of 4 stars). 2 submissions from 2 submitters: Uncertain significance (2). Last evaluated 2026-06-13.

Conditions:
Hereditary cancer-predisposing syndrome. Also called: Tumor predisposition; Hereditary neoplastic syndrome; Neoplastic Syndromes, Hereditary; Hereditary Cancer Syndrome. Identifiers: Orphanet 140162, MedGen C0027672, MeSH D009386, MONDO:0015356.
Haddad syndrome (OHD). Also called: Ondine-Hirschsprung disease. Identifiers: Orphanet 99803, MedGen C1859049, MONDO:0020493.

Allele frequency attached by ClinVar (database versions not stated): gnomAD exomes below 0.00001.

Submissions (2):

Ambry Genetics
Classification: Uncertain significance for Hereditary cancer-predisposing syndrome. Last evaluated: 2026-06-13. Review status: criteria provided, single submitter. Criteria: Ambry Variant Classification Scheme 2023. Collection method: clinical testing. Allele origin: germline.
Comment: The p.Q299R variant (also known as c.896A>G), located in coding exon 3 of the PHOX2B gene, results from an A to G substitution at nucleotide position 896. The glutamine at codon 299 is replaced by arginine, an amino acid with highly similar properties. This amino acid position is conserved. In addition, the in silico prediction for this alteration is inconclusive. Based on the available evidence, the clinical significance of this variant remains unclear.

Labcorp Genetics (formerly Invitae), Labcorp
Classification: Uncertain significance for Haddad syndrome. Last evaluated: 2022-11-24. Review status: criteria provided, single submitter. Criteria: Invitae Variant Classification Sherloc (09022015). Collection method: clinical testing. Allele origin: germline.
Comment: This sequence change replaces glutamine, which is neutral and polar, with arginine, which is basic and polar, at codon 299 of the PHOX2B protein (p.Gln299Arg). This variant is not present in population databases (gnomAD no frequency). This variant has not been reported in the literature in individuals affected with PHOX2B-related conditions. Algorithms developed to predict the effect of missense changes on protein structure and function are either unavailable or do not agree on the potential impact of this missense change (SIFT: "Deleterious"; PolyPhen-2: "Not Available"; Align-GVGD: "Class C0"). In summary, the available evidence is currently insufficient to determine the role of this variant in disease. Therefore, it has been classified as a Variant of Uncertain Significance.